The following is an entry in ClinVar:

ClinVar aggregate classification (germline): Pathogenic (1 of 4 stars; one submission).

Conditions:
Hereditary spastic paraplegia 4. Also called: Spastic Paraplegia 4; Familial spastic paraplegia autosomal dominant 2; Spastic paraplegia 4, autosomal dominant. Identifiers: Orphanet 100985, MedGen C1866855, MONDO:0008438, OMIM 182601.

Submission:

Labcorp Genetics (formerly Invitae), Labcorp
Classification: Pathogenic for Hereditary spastic paraplegia 4. Last evaluated: 2023-12-06. Review status: criteria provided, single submitter. Criteria: Invitae Variant Classification Sherloc (09022015). Collection method: clinical testing. Allele origin: germline.
Comment: This sequence change creates a premature translational stop signal (p.Glu157*) in the SPAST gene. It is expected to result in an absent or disrupted protein product. Loss-of-function variants in SPAST are known to be pathogenic (PMID: 20932283). This variant is not present in population databases (gnomAD no frequency). This variant has not been reported in the literature in individuals affected with SPAST-related conditions. Algorithms developed to predict the effect of sequence changes on RNA splicing suggest that this variant may disrupt the consensus splice site. For these reasons, this variant has been classified as Pathogenic.

Literature cited by the submitters: PubMed 20932283.

NM_014946.4(SPAST):c.469G>T (p.Glu157Ter)

Gene: SPAST (spastin; plus strand). Cytogenetic location: 2p22.3.
Variant type: single nucleotide variant.
Coding change: c.469G>T on transcript NM_014946.4 (MANE Select); coding-DNA position 469, G replaced by T.
Protein change: p.Glu157Ter; replaces glutamic acid 157 with a stop codon.
Molecular consequence: nonsense.
Genome position (GRCh38, 1-based): chr2:32,087,545, G>T. VCF-style: chr2-32087545-G-T. GRCh37 (hg19) VCF-style: chr2-32312614-G-T.
Other names: c.466G>T, p.Glu156Ter (NM_001363823.2, NM_001363875.2); c.469G>T, p.Glu157Ter (NM_001377959.1, NM_199436.2); short protein forms E156*, E157*.
Identifiers: ClinVar variation 3017618 (VCV003017618.3), dbSNP rs1268625226, ClinGen allele CA346603253.